The following is an entry in ClinVar:

ClinVar aggregate classification (germline): Uncertain significance (1 of 4 stars; one submission).

gnomAD v4.1: 9 of 1,613,958 alleles (0.00056%); highest among the groups gnomAD compares: African/African-American, 0.004%; no homozygotes.

Submission:

Labcorp Genetics (formerly Invitae), Labcorp
Classification: Uncertain significance. Last evaluated: 2025-09-23. Review status: criteria provided, single submitter. Criteria: Invitae Variant Classification Sherloc (09022015). Collection method: clinical testing. Allele origin: germline.
Comment: This sequence change replaces isoleucine, which is neutral and non-polar, with serine, which is neutral and polar, at codon 3323 of the ANK3 protein (p.Ile3323Ser). This variant is present in population databases (no rsID available, gnomAD 0.01%). This variant has not been reported in the literature in individuals affected with ANK3-related conditions. Invitae Evidence Modeling of protein sequence and biophysical properties (such as structural, functional, and spatial information, amino acid conservation, physicochemical variation, residue mobility, and thermodynamic stability) indicates that this missense variant is not expected to disrupt ANK3 protein function with a negative predictive value of 80%. In summary, the available evidence is currently insufficient to determine the role of this variant in disease. Therefore, it has been classified as a Variant of Uncertain Significance.

NM_020987.5(ANK3):c.9968T>G (p.Ile3323Ser)

Gene: ANK3 (ankyrin 3; minus strand). Cytogenetic location: 10q21.2.
Variant type: single nucleotide variant.
Coding change: c.9968T>G on transcript NM_020987.5 (MANE Select); coding-DNA position 9968, T replaced by G.
Protein change: p.Ile3323Ser; replaces isoleucine 3323 with serine.
Molecular consequence: missense variant. On other transcripts: intron variant (4).
Genome position (GRCh38, 1-based): chr10:60,070,913, A>C on the plus strand (T>G on the coding strand, the complement: ANK3 is on the minus strand). VCF-style: chr10-60070913-A-C. GRCh37 (hg19) VCF-style: chr10-61830671-A-C.
Other names: c.4388-2904T>G (NM_001204403.2); c.4409-2904T>G (NM_001204404.2); c.4406-2904T>G (NM_001320874.2); c.1808-2904T>G (NM_001149.4); short protein forms I3323S.
Identifiers: ClinVar variation 4747977 (VCV004747977.1).
Genomic context (GRCh38, chr10:60,070,913, plus strand): 5'-TGTTCATCGTCCACTTCCTTTAATTTGAAGGTATATTTTTTAACTGGGACTGGCTGATAA[A>C]TAGATTCGTCATCGCTTGAATCACTGACGTCTGCCCCGGGAGGAACTGGTGAAGGTGGCT-3'
Protein context (NP_066267.2, residues 3313-3333): DVSDSSDDES[Ile3323Ser]YQPVPVKKYT